The following is an entry in ClinVar:

NM_000901.5(NR3C2):c.1862G>A (p.Gly621Asp)

Gene: NR3C2 (nuclear receptor subfamily 3 group C member 2; minus strand). Cytogenetic location: 4q31.23.
Variant type: single nucleotide variant.
Coding change: c.1862G>A on transcript NM_000901.5 (MANE Select); coding-DNA position 1862, G replaced by A.
Protein change: p.Gly621Asp; replaces glycine 621 with aspartic acid.
Molecular consequence: missense variant. On other transcripts: non-coding transcript variant (1).
Genome position (GRCh38, 1-based): chr4:148,260,013, C>T on the plus strand (G>A on the coding strand, the complement: NR3C2 is on the minus strand). VCF-style: chr4-148260013-C-T. GRCh37 (hg19) VCF-style: chr4-149181165-C-T.
Other names: c.1862G>A, p.Gly621Asp (NM_001166104.2, NM_001354819.1); short protein forms G621D.
Identifiers: ClinVar variation 2759171 (VCV002759171.3), dbSNP rs1297567991, ClinGen allele CA358242943.

ClinVar aggregate classification (germline): Uncertain significance (1 of 4 stars; one submission).

Allele frequency attached by ClinVar (database versions not stated): gnomAD exomes below 0.00001.
gnomAD v4.1: 1 of 1,614,150 alleles (0.000062%); highest among the groups gnomAD compares: Non-Finnish European, 0.000085%; no homozygotes.

Submission:

Labcorp Genetics (formerly Invitae), Labcorp
Classification: Uncertain significance. Last evaluated: 2023-10-17. Review status: criteria provided, single submitter. Criteria: Invitae Variant Classification Sherloc (09022015). Collection method: clinical testing. Allele origin: germline.
Comment: This sequence change replaces glycine, which is neutral and non-polar, with aspartic acid, which is acidic and polar, at codon 621 of the NR3C2 protein (p.Gly621Asp). This variant is present in population databases (no rsID available, gnomAD 0.0009%). This variant has not been reported in the literature in individuals affected with NR3C2-related conditions. Advanced modeling of protein sequence and biophysical properties (such as structural, functional, and spatial information, amino acid conservation, physicochemical variation, residue mobility, and thermodynamic stability) performed at Invitae indicates that this missense variant is expected to disrupt NR3C2 protein function. In summary, the available evidence is currently insufficient to determine the role of this variant in disease. Therefore, it has been classified as a Variant of Uncertain Significance.